The following is an entry in ClinVar:

NM_020320.5(RARS2):c.111-20G>A

Gene: RARS2 (arginyl-tRNA synthetase 2, mitochondrial; minus strand). Cytogenetic location: 6q15.
Variant type: single nucleotide variant.
Coding change: c.111-20G>A on transcript NM_020320.5 (MANE Select); 20 bases into the intron before coding-DNA position 111, G replaced by A.
Molecular consequence: intron variant.
Genome position (GRCh38, 1-based): chr6:87,564,252, C>T on the plus strand (G>A on the coding strand, the complement: RARS2 is on the minus strand). VCF-style: chr6-87564252-C-T. GRCh37 (hg19) VCF-style: chr6-88273970-C-T.
Other names: c.111-20G>A (NM_001350505.2); c.-359-20G>A (NM_001350509.2, NM_001318785.2); c.-415-20G>A (NM_001350506.2, NM_001350510.2, NM_001350511.2 and 1 more transcripts); c.-577-20G>A (NM_001350508.2).
Identifiers: ClinVar variation 138890 (VCV000138890.10), dbSNP rs80172606, ClinGen allele CA293067.

ClinVar aggregate classification (germline): Benign/Likely benign. Review status: criteria provided, multiple submitters, no conflicts (2 of 4 stars). 3 submissions from 3 submitters: Benign (2); Likely benign (1). Last evaluated 2026-01-24.

Allele frequency attached by ClinVar (database versions not stated): 1000 Genomes Project 0.00060; gnomAD 0.00060 and 0.00064; TOPMed 0.00061; 1000 Genomes Project 30x 0.00062; ExAC 0.00064; gnomAD exomes 0.00073; ESP Exome Variant Server 0.00123.
gnomAD v4.1: 1,497 of 1,528,148 alleles (0.098%); highest among the groups gnomAD compares: Non-Finnish European, 0.12%; 3 homozygotes.

Submissions (3):

Labcorp Genetics (formerly Invitae), Labcorp
Classification: Benign. Last evaluated: 2026-01-24. Review status: criteria provided, single submitter. Criteria: Invitae Variant Classification Sherloc (09022015). Collection method: clinical testing. Allele origin: germline.

Blueprint Genetics
Classification: Likely benign. Last evaluated: 2024-11-20. Review status: criteria provided, single submitter. Criteria: ACMG Guidelines, 2015. Collection method: clinical testing. Allele origin: germline.

GeneDx
Classification: Benign. Last evaluated: 2013-01-16. Review status: criteria provided, single submitter. Criteria: GeneDx Variant Classification (06012015). Collection method: clinical testing. Allele origin: germline. Affected: yes.
Comment: This variant is considered likely benign or benign based on one or more of the following criteria: it is a conservative change, it occurs at a poorly conserved position in the protein, it is predicted to be benign by multiple in silico algorithms, and/or has population frequency not consistent with disease.